The following is an entry in ClinVar:

ClinVar aggregate classification (germline): Uncertain significance. Review status: criteria provided, multiple submitters, no conflicts (2 of 4 stars). 3 submissions from 3 submitters: Uncertain significance (3). Last evaluated 2025-08-18.

Conditions:
Inborn genetic diseases. Identifiers: MedGen C0950123, MeSH D030342.

gnomAD v4.1: 206 of 1,483,098 alleles (0.014%); highest among the groups gnomAD compares: Non-Finnish European, 0.018%; no homozygotes.

Submissions (3):

GeneDx
Classification: Uncertain significance. Last evaluated: 2025-08-18. Review status: criteria provided, single submitter. Criteria: GeneDx Variant Classification Process June 2021. Collection method: clinical testing. Allele origin: germline.
Comment: In silico analysis suggests that this missense variant does not alter protein structure/function; Has not been previously published as pathogenic or benign to our knowledge

Ambry Genetics
Classification: Uncertain significance for Inborn genetic diseases. Last evaluated: 2025-03-17. Review status: criteria provided, single submitter. Criteria: Ambry Variant Classification Scheme 2023. Collection method: clinical testing. Allele origin: germline.

Labcorp Genetics (formerly Invitae), Labcorp
Classification: Uncertain significance. Last evaluated: 2022-08-15. Review status: criteria provided, single submitter. Criteria: Invitae Variant Classification Sherloc (09022015). Collection method: clinical testing. Allele origin: germline.
Comment: In summary, the available evidence is currently insufficient to determine the role of this variant in disease. Therefore, it has been classified as a Variant of Uncertain Significance. Algorithms developed to predict the effect of missense changes on protein structure and function are either unavailable or do not agree on the potential impact of this missense change (SIFT: "Tolerated"; PolyPhen-2: "Probably Damaging"; Align-GVGD: "Class C0"). This variant has not been reported in the literature in individuals affected with FGF3-related conditions. This variant is present in population databases (no rsID available, gnomAD 0.01%). This sequence change replaces valine, which is neutral and non-polar, with isoleucine, which is neutral and non-polar, at codon 35 of the FGF3 protein (p.Val35Ile).

NM_005247.4(FGF3):c.103G>A (p.Val35Ile)

Genes: FGF3 (fibroblast growth factor 3; minus strand), LOC109115964 (FGF3 5' regulatory region; plus strand). Cytogenetic location: 11q13.3.
Variant type: single nucleotide variant.
Coding change: c.103G>A on transcript NM_005247.4 (MANE Select); coding-DNA position 103, G replaced by A.
Protein change: p.Val35Ile; replaces valine 35 with isoleucine.
Molecular consequence: missense variant.
Genome position (GRCh38, 1-based): chr11:69,818,831, C>T on the plus strand (G>A on the coding strand, the complement: FGF3 is on the minus strand). VCF-style: chr11-69818831-C-T. GRCh37 (hg19) VCF-style: chr11-69633599-C-T.
Other names: c.103G>A (NM_005247.2); short protein forms V35I.
Identifiers: ClinVar variation 2153343 (VCV002153343.5), dbSNP rs1430586811, ClinGen allele CA381664579.